The following is an entry in ClinVar:

ClinVar aggregate classification (germline): Benign/Likely benign. Review status: criteria provided, multiple submitters, no conflicts (2 of 4 stars). 16 submissions from 13 submitters: Benign (11); Likely benign (2). 3 of the submissions do not count toward it. Last evaluated 2026-09-01.

Conditions:
Pfeiffer syndrome (ACS5). Also called: ACS V. Identifiers: Orphanet 710, MedGen C0220658, MONDO:0007043, OMIM 101600.
Hypogonadotropic hypogonadism 2 with or without anosmia (HH2). Also called: HYPOGONADOTROPIC HYPOGONADISM 2 WITHOUT ANOSMIA; HYPOGONADOTROPIC HYPOGONADISM 2 WITH OR WITHOUT ANOSMIA, SUSCEPTIBILITY TO; HYPOGONADOTROPIC HYPOGONADISM 2 WITHOUT ANOSMIA, SUSCEPTIBILITY TO; FGFR1-Related GnRH Deficiency (Kallmann Syndrome 2). Identifiers: Orphanet 478, MedGen C1563720, MONDO:0007844, OMIM 147950. Disease mechanism: loss of function.
Osteoglophonic dysplasia (OGD). Also called: Osteoglophonic dwarfism. Identifiers: Orphanet 2645, MedGen C0432283, MONDO:0008150, OMIM 166250.
Encephalocraniocutaneous lipomatosis (ECCL). Identifiers: Orphanet 2396, MedGen C0406612, MONDO:0013074, OMIM 613001.
Trigonocephaly 1 (TRIGNO1). Identifiers: Orphanet 3366, MedGen C0432122, MONDO:0008603, OMIM 190440.
Jackson-Weiss syndrome (JWS). Also called: CRANIOSYNOSTOSIS, MIDFACIAL HYPOPLASIA, AND FOOT ABNORMALITIES. Identifiers: Orphanet 1540, MedGen C0795998, MONDO:0007400, OMIM 123150. Disease mechanism: loss of function.
Hartsfield-Bixler-Demyer syndrome (HRTFDS). Also called: Holoprosencephaly, ectrodactyly, and bilateral cleft lip/palate; Hartsfield syndrome; FGFR1-Related Hartsfield Syndrome. Identifiers: Orphanet 2117, MedGen C1845146, MONDO:0014196, OMIM 615465. Disease mechanism: loss of function.
Craniosynostosis syndrome. Also called: Craniosynostosis. Identifiers: Orphanet 1531, MedGen C0010278, MeSH D003398, MONDO:0015469, HP:0001363.

Allele frequency attached by ClinVar (database versions not stated): 1000 Genomes Project 30x 0.00281; 1000 Genomes Project 0.00300; gnomAD 0.00761 and 0.00782; ExAC 0.00806; TOPMed 0.00808; gnomAD exomes 0.00812 and 0.01082; ESP Exome Variant Server 0.00864.
gnomAD v4.1: 16,900 of 1,614,246 alleles (1%); highest among the groups gnomAD compares: Non-Finnish European, 1.2%; 124 homozygotes.

Submissions (16):

CeGaT Center for Human Genetics Tuebingen
Classification: Benign. Last evaluated: 2026-09-01. Review status: criteria provided, single submitter. Criteria: CeGaT Center For Human Genetics Tuebingen Variant Classification Criteria Version 2. Collection method: clinical testing. Allele origin: germline. Affected: yes. Observed: 47 variant alleles.
Comment: FGFR1: BP4, BS1, BS2

Labcorp Genetics (formerly Invitae), Labcorp
Classification: Benign for Pfeiffer syndrome; Hypogonadotropic hypogonadism 2 with or without anosmia. Last evaluated: 2026-02-01. Review status: criteria provided, single submitter. Criteria: Invitae Variant Classification Sherloc (09022015). Collection method: clinical testing. Allele origin: germline.

ARUP Laboratories, Molecular Genetics and Genomics, ARUP Laboratories
Classification: Benign. Last evaluated: 2025-04-09. Review status: criteria provided, single submitter. Criteria: ARUP Molecular Germline Variant Investigation Process 2024. Collection method: clinical testing. Allele origin: germline.

Blueprint Genetics
Classification: Likely benign. Last evaluated: 2024-11-27. Review status: criteria provided, single submitter. Criteria: ACMG Guidelines, 2015. Collection method: clinical testing. Allele origin: germline.

Mayo Clinic Laboratories, Mayo Clinic
Classification: Likely benign. Last evaluated: 2023-11-23. Review status: criteria provided, single submitter. Criteria: ACMG Guidelines, 2015. Collection method: clinical testing. Allele origin: germline. Observed: 2 variant alleles.
Comment: BS1, BP4, BP7

Fulgent Genetics
Classification: Benign for Pfeiffer syndrome; Jackson-Weiss syndrome; Hypogonadotropic hypogonadism 2 with or without anosmia; Osteoglophonic dysplasia; Trigonocephaly 1; Encephalocraniocutaneous lipomatosis; Hartsfield-Bixler-Demyer syndrome. Last evaluated: 2022-04-03. Review status: criteria provided, single submitter. Criteria: ACMG Guidelines, 2015. Collection method: clinical testing. Allele origin: unknown.

GeneDx
Classification: Benign. Last evaluated: 2019-01-24. Review status: criteria provided, single submitter. Criteria: GeneDx Variant Classification Process June 2021. Collection method: clinical testing. Allele origin: germline. Affected: yes.
Comment: This variant is associated with the following publications: (PMID: 30733481, 16764984, 20696889, 17963255)

Athena Diagnostics
Classification: Benign. Last evaluated: 2018-02-09. Review status: criteria provided, single submitter. Criteria: Athena Diagnostics Criteria. Collection method: clinical testing. Allele origin: germline.

Illumina Laboratory Services, Illumina
Classification: Benign for Craniosynostosis. Last evaluated: 2018-01-13. Review status: criteria provided, single submitter. Criteria: ICSL Variant Classification Criteria 13 December 2019. Collection method: clinical testing. Allele origin: germline.
Comment: This variant was observed in the ICSL laboratory as part of a predisposition screen in an ostensibly healthy population. It had not been previously curated by ICSL or reported in the Human Gene Mutation Database (HGMD: prior to June 1st, 2018), and was therefore a candidate for classification through an automated scoring system. Utilizing variant allele frequency, disease prevalence and penetrance estimates, and inheritance mode, an automated score was calculated to assess if this variant is too frequent to cause the disease. Based on the score and internal cut-off values, a variant classified as benign is not then subjected to further curation. The score for this variant resulted in a classification of benign for this disease.

Illumina Laboratory Services, Illumina
Classification: Benign for Trigonocephaly 1. Last evaluated: 2018-01-13. Review status: criteria provided, single submitter. Criteria: ICSL Variant Classification Criteria 13 December 2019. Collection method: clinical testing. Allele origin: germline.
Comment: the same text as in the submission from Illumina Laboratory Services, Illumina above.

Illumina Laboratory Services, Illumina
Classification: Benign for Hypogonadotropic hypogonadism 2 with or without anosmia. Last evaluated: 2018-01-13. Review status: criteria provided, single submitter. Criteria: ICSL Variant Classification Criteria 13 December 2019. Collection method: clinical testing. Allele origin: germline.
Comment: the same text as in the submission from Illumina Laboratory Services, Illumina above.

Illumina Laboratory Services, Illumina
Classification: Benign for Osteoglophonic dysplasia. Last evaluated: 2018-01-13. Review status: criteria provided, single submitter. Criteria: ICSL Variant Classification Criteria 13 December 2019. Collection method: clinical testing. Allele origin: germline.
Comment: the same text as in the submission from Illumina Laboratory Services, Illumina above.

Breakthrough Genomics
Classification: Benign. Review status: criteria provided, single submitter. Criteria: ACMG Guidelines, 2015. Collection method: not provided. Allele origin: germline. Inheritance: Autosomal dominant inheritance. Affected: yes.

Clinical Genetics, Academic Medical Center
Classification: Benign. Review status: no assertion criteria provided. Collection method: clinical testing. Allele origin: germline. Affected: yes. Study: VKGL Data-share Consensus. Not counted in ClinVar's aggregate classification.

Genome Diagnostics Laboratory, University Medical Center Utrecht
Classification: Benign. Review status: no assertion criteria provided. Collection method: clinical testing. Allele origin: germline. Affected: yes. Study: VKGL Data-share Consensus. Not counted in ClinVar's aggregate classification.

Joint Genome Diagnostic Labs from Nijmegen and Maastricht, Radboudumc and MUMC+
Classification: Benign. Review status: no assertion criteria provided. Collection method: clinical testing. Allele origin: germline. Affected: yes. Study: VKGL Data-share Consensus. Not counted in ClinVar's aggregate classification.

Literature cited by the submitters: PubMed 16764984 (cited by Athena Diagnostics); PubMed 17963255 (cited by Athena Diagnostics); PubMed 20696889 (cited by Athena Diagnostics).

NM_023110.3(FGFR1):c.600C>T (p.Asp200=)

Gene: FGFR1 (fibroblast growth factor receptor 1; minus strand). Cytogenetic location: 8p11.23.
Variant type: single nucleotide variant.
Coding change: c.600C>T on transcript NM_023110.3 (MANE Select); coding-DNA position 600, C replaced by T.
Protein change: p.Asp200=; no amino-acid change (aspartic acid 200 retained).
Molecular consequence: synonymous variant.
Genome position (GRCh38, 1-based): chr8:38,427,942, G>A on the plus strand (C>T on the coding strand, the complement: FGFR1 is on the minus strand). VCF-style: chr8-38427942-G-A. GRCh37 (hg19) VCF-style: chr8-38285460-G-A.
Other names: p.Asp200=; c.600C>T, p.Asp200= (NM_001174063.2); c.576C>T, p.Asp192= (NM_001174064.2); c.594C>T, p.Asp198= (NM_001174065.2, NM_001354367.2, NM_001354369.2 and 1 more transcripts); c.333C>T, p.Asp111= (NM_001174066.2, NM_023105.3); c.693C>T, p.Asp231= (NM_001174067.2); c.327C>T, p.Asp109= (NM_001354368.2, NM_001354370.2, NM_023106.3).
Identifiers: ClinVar variation 362901 (VCV000362901.64), dbSNP rs17175898, ClinGen allele CA4718705.